The following is an entry in ClinVar:

NM_001401501.2(MUC16):c.7534G>A (p.Val2512Ile)

Genes: MUC16 (mucin 16, cell surface associated; minus strand), LOC129391057 (MPRA-validated peak3341 silencer; plus strand). Cytogenetic location: 19p13.2.
Variant type: single nucleotide variant.
Coding change: c.7534G>A on transcript NM_001401501.2 (MANE Select); coding-DNA position 7534, G replaced by A.
Protein change: p.Val2512Ile; replaces valine 2512 with isoleucine.
Molecular consequence: missense variant.
Genome position (GRCh38, 1-based): chr19:8,973,725, C>T on the plus strand (G>A on the coding strand, the complement: MUC16 is on the minus strand). VCF-style: chr19-8973725-C-T. GRCh37 (hg19) VCF-style: chr19-9084401-C-T.
Other names: c.7960G>A, p.Val2654Ile (NM_001414686.1); c.7414G>A, p.Val2472Ile (NM_001414687.1, NM_024690.2); short protein forms V2472I, V2512I, V2654I.
Identifiers: ClinVar variation 2649266 (VCV002649266.25), dbSNP rs142278154, ClinGen allele CA9172189.

ClinVar aggregate classification (germline): Likely benign. Review status: criteria provided, single submitter (1 of 4 stars). 2 submissions from 2 submitters: Likely benign (1). 1 of the submissions does not count toward it. Last evaluated 2023-08-01.

Conditions:
MUC16-related disorder. Also called: MUC16-related condition.

Allele frequency attached by ClinVar (database versions not stated): 1000 Genomes Project 30x 0.00156; 1000 Genomes Project 0.00180; TOPMed 0.00521; ESP Exome Variant Server 0.00539; gnomAD 0.00554.

Submissions (2):

CeGaT Center for Human Genetics Tuebingen
Classification: Likely benign. Last evaluated: 2023-08-01. Review status: criteria provided, single submitter. Criteria: CeGaT Center For Human Genetics Tuebingen Variant Classification Criteria Version 2. Collection method: clinical testing. Allele origin: germline. Affected: yes. Observed: 3 variant alleles.
Comment: MUC16: BP4, BS2

PreventionGenetics, part of Exact Sciences
Classification: Benign for MUC16-related condition. Last evaluated: 2019-05-23. Review status: no assertion criteria provided. Collection method: clinical testing. Allele origin: germline. Not counted in ClinVar's aggregate classification.
Comment: This variant is classified as benign based on ACMG/AMP sequence variant interpretation guidelines (Richards et al. 2015 PMID: 25741868, with internal and published modifications).